The following is an entry in ClinVar:

ClinVar aggregate classification (germline): Pathogenic (1 of 4 stars; one submission).

Conditions:
Developmental and epileptic encephalopathy, 1 (DEE1). Also called: X-linked infantile spasms; West's syndrome; Tonic spasms with clustering, arrest of psychomotor development and hypsarrhythmia on EEG; X-Linked Infantile Spasm Syndrome; OHTAHARA SYNDROME, X-LINKED; Epileptic encephalopathy, early infantile, 1. Identifiers: MedGen C3463992, MONDO:0010632, OMIM 308350. Disease mechanism: loss of function.
Intellectual disability, X-linked, with or without seizures, ARX-related. Also called: Mental retardation, X-linked 52; MENTAL RETARDATION, X-LINKED 29; MENTAL RETARDATION, X-LINKED 32; MENTAL RETARDATION, X-LINKED 33; MENTAL RETARDATION, X-LINKED 38; MENTAL RETARDATION, X-LINKED 43. Identifiers: Orphanet 777, MedGen C0796244, MONDO:0010317, OMIM 300419.

Submission:

Labcorp Genetics (formerly Invitae), Labcorp
Classification: Pathogenic for Developmental and epileptic encephalopathy, 1; Intellectual disability, X-linked, with or without seizures, ARX-related. Last evaluated: 2024-05-04. Review status: criteria provided, single submitter. Criteria: Invitae Variant Classification Sherloc (09022015). Collection method: clinical testing. Allele origin: germline.
Comment: This variant, c.422_454dup, results in the insertion of 11 amino acid(s) of the ARX protein (p.Gly141_Ala151dup), but otherwise preserves the integrity of the reading frame. The frequency data for this variant in the population databases is considered unreliable, as metrics indicate insufficient coverage at this position in the gnomAD database. This variant has not been reported in the literature in individuals affected with ARX-related conditions. This variant results in expansion of a poly-alanine tract in ARX. Expansions of the alanine tracts in ARX have been observed in individuals with ARX-related conditions (PMID: 11889467, 17664401, 23246292). For these reasons, this variant has been classified as Pathogenic.

Literature cited by the submitters: PubMed 11889467; PubMed 17664401; PubMed 23246292.

NM_139058.3(ARX):c.422_454dup (p.Ala151_Ala152insGlyAlaGlyAlaAlaAlaAlaAlaAlaAlaAla)

Genes: ARX (aristaless related homeobox; minus strand), LOC109610631 (aristaless related homeobox polyalanine expansion region; plus strand). Cytogenetic location: Xp21.3.
Variant type: Duplication.
Coding change: c.422_454dup on transcript NM_139058.3 (MANE Select); coding-DNA positions 422 to 454, 33 bases duplicated.
Protein change: p.Ala151_Ala152insGlyAlaGlyAlaAlaAlaAlaAlaAlaAlaAla.
Molecular consequence: inframe insertion.
Genome position (GRCh38, 1-based): chrX:25,013,541-25,013,573, 33 bases duplicated; duplicating any 33 consecutive bases within chrX:25,013,541-25,013,574 gives the same sequence; the c. name uses the placement nearest the transcript's 3' end. GRCh37 (hg19): chrX:25,031,659-25,031,691.
Identifiers: ClinVar variation 3756185 (VCV003756185.2).
Genomic context (GRCh38, chrX:25,013,540, plus strand): 5'-CTGCGGCTGATGCTCACCTGCGGCGCCTGGCTGATCTTGAGCGTGTCCCAGGCCGCGGCG[G>GCCGCGGCCGCGGCTGCCGCGGCGGCCCCTGCGC]CCGCGGCCGCGGCTGCCGCGGCGGCCCCTGCGCCGTCCGGCCGTTCCCCGGGCCGCGCGG-3'